The following is an entry in ClinVar:

ClinVar aggregate classification (germline): Uncertain significance (1 of 4 stars; one submission).

Submission:

Labcorp Genetics (formerly Invitae), Labcorp
Classification: Uncertain significance. Last evaluated: 2022-11-29. Review status: criteria provided, single submitter. Criteria: Invitae Variant Classification Sherloc (09022015). Collection method: clinical testing. Allele origin: germline.
Comment: This sequence change replaces isoleucine, which is neutral and non-polar, with methionine, which is neutral and non-polar, at codon 916 of the RP1 protein (p.Ile916Met). This variant is not present in population databases (gnomAD no frequency). This variant has not been reported in the literature in individuals affected with RP1-related conditions. ClinVar contains an entry for this variant (Variation ID: 959430). Algorithms developed to predict the effect of missense changes on protein structure and function are either unavailable or do not agree on the potential impact of this missense change (SIFT: "Deleterious"; PolyPhen-2: "Possibly Damaging"; Align-GVGD: "Class C0"). In summary, the available evidence is currently insufficient to determine the role of this variant in disease. Therefore, it has been classified as a Variant of Uncertain Significance.

NM_006269.2(RP1):c.2748A>G (p.Ile916Met)

Gene: RP1 (RP1 axonemal microtubule associated; plus strand). Cytogenetic location: 8q12.1.
Variant type: single nucleotide variant.
Coding change: c.2748A>G on transcript NM_006269.2 (MANE Select); coding-DNA position 2748, A replaced by G.
Protein change: p.Ile916Met; replaces isoleucine 916 with methionine.
Molecular consequence: missense variant. On other transcripts: intron variant (1).
Genome position (GRCh38, 1-based): chr8:54,626,630, A>G. VCF-style: chr8-54626630-A-G. GRCh37 (hg19) VCF-style: chr8-55539190-A-G.
Other names: c.787+4342A>G (NM_001375654.1); short protein forms I916M.
Identifiers: ClinVar variation 959430 (VCV000959430.9), dbSNP rs1806060299, ClinGen allele CA370994536.